The following is an entry in ClinVar:

ClinVar aggregate classification (germline): Uncertain significance. Review status: criteria provided, multiple submitters, no conflicts (2 of 4 stars). 2 submissions from 2 submitters: Uncertain significance (2). Last evaluated 2025-11-25.

Conditions:
Inborn genetic diseases. Identifiers: MedGen C0950123, MeSH D030342.
Deafness-lymphedema-leukemia syndrome. Also called: Emberger syndrome; Lymphedema, primary, with myelodysplasia. Identifiers: Orphanet 3226, MedGen C3279664, MONDO:0013540, OMIM 614038.
Monocytopenia with susceptibility to infections. Also called: MONOCYTOPENIA AND MYCOBACTERIAL INFECTION SYNDROME; MONOCYTOPENIA WITH SUSCEPTIBILITY TO MYCOBACTERIAL, FUNGAL, AND PAPILLOMAVIRUS INFECTIONS AND MYELODYSPLASIA; COMBINED IMMUNODEFICIENCY WITH SUSCEPTIBILITY TO MYCOBACTERIAL, VIRAL, AND FUNGAL INFECTIONS; IMMUNODEFICIENCY 21; GATA2 DEFICIENCY; Dendritic cell, monocyte, B lymphocyte, and natural killer lymphocyte deficiency. Identifiers: Orphanet 228423, MedGen C3280030, MONDO:0013607, OMIM 614172.

Submissions (2):

Ambry Genetics
Classification: Uncertain significance for Inborn genetic diseases. Last evaluated: 2025-11-25. Review status: criteria provided, single submitter. Criteria: Ambry Variant Classification Scheme 2023. Collection method: clinical testing. Allele origin: germline.
Comment: The p.G149A variant (also known as c.446G>C), located in coding exon 2 of the GATA2 gene, results from a G to C substitution at nucleotide position 446. The glycine at codon 149 is replaced by alanine, an amino acid with similar properties. This amino acid position is conserved. In addition, the in silico prediction for this alteration is inconclusive. Based on the available evidence, the clinical significance of this variant remains unclear.

Labcorp Genetics (formerly Invitae), Labcorp
Classification: Uncertain significance for Monocytopenia with susceptibility to infections; Deafness-lymphedema-leukemia syndrome. Last evaluated: 2019-10-29. Review status: criteria provided, single submitter. Criteria: Invitae Variant Classification Sherloc (09022015). Collection method: clinical testing. Allele origin: germline.
Comment: This sequence change replaces glycine with alanine at codon 149 of the GATA2 protein (p.Gly149Ala). The glycine residue is weakly conserved and there is a small physicochemical difference between glycine and alanine. This variant is not present in population databases (ExAC no frequency). This variant has not been reported in the literature in individuals with GATA2-related conditions. Algorithms developed to predict the effect of missense changes on protein structure and function (SIFT, PolyPhen-2, Align-GVGD) all suggest that this variant is likely to be tolerated, but these predictions have not been confirmed by published functional studies and their clinical significance is uncertain. In summary, the available evidence is currently insufficient to determine the role of this variant in disease. Therefore, it has been classified as a Variant of Uncertain Significance.

NM_032638.5(GATA2):c.446G>C (p.Gly149Ala)

Gene: GATA2 (GATA binding protein 2; minus strand). Cytogenetic location: 3q21.3.
Variant type: single nucleotide variant.
Coding change: c.446G>C on transcript NM_032638.5 (MANE Select); coding-DNA position 446, G replaced by C.
Protein change: p.Gly149Ala; replaces glycine 149 with alanine.
Molecular consequence: missense variant.
Genome position (GRCh38, 1-based): chr3:128,486,152, C>G on the plus strand (G>C on the coding strand, the complement: GATA2 is on the minus strand). VCF-style: chr3-128486152-C-G. GRCh37 (hg19) VCF-style: chr3-128204995-C-G.
Other names: c.446G>C, p.Gly149Ala (NM_001145661.2, NM_001145662.1); short protein forms G149A.
Identifiers: ClinVar variation 971872 (VCV000971872.10), dbSNP rs1184430909, ClinGen allele CA354406736.